The following is an entry in ClinVar:

NM_005076.5(CNTN2):c.208A>T (p.Thr70Ser)

Gene: CNTN2 (contactin 2; plus strand). Cytogenetic location: 1q32.1.
Variant type: single nucleotide variant.
Coding change: c.208A>T on transcript NM_005076.5 (MANE Select); coding-DNA position 208, A replaced by T.
Protein change: p.Thr70Ser; replaces threonine 70 with serine.
Molecular consequence: missense variant. On other transcripts: non-coding transcript variant (1).
Genome position (GRCh38, 1-based): chr1:205,058,058, A>T. VCF-style: chr1-205058058-A-T. GRCh37 (hg19) VCF-style: chr1-205027186-A-T.
Other names: c.208A>T (NM_005076.3); c.208A>T, p.Thr70Ser (NM_001346083.2); short protein forms T70S.
Identifiers: ClinVar variation 1429882 (VCV001429882.7), dbSNP rs555512649, ClinGen allele CA1350948.

ClinVar aggregate classification (germline): Uncertain significance. Review status: criteria provided, multiple submitters, no conflicts (2 of 4 stars). 2 submissions from 2 submitters: Uncertain significance (2). Last evaluated 2025-12-04.

Conditions:
Epilepsy, familial adult myoclonic, 5 (EPEO5). Also called: CORTICAL MYOCLONIC TREMOR WITH EPILEPSY, FAMILIAL, 5. Identifiers: Orphanet 86814, MedGen C3809374, MONDO:0014167, OMIM 615400.

Allele frequency attached by ClinVar (database versions not stated): TOPMed 0.00002; gnomAD 0.00001.
gnomAD v4.1: 13 of 1,613,284 alleles (0.00081%); highest among the groups gnomAD compares: African/African-American, 0.0013%; no homozygotes.

Submissions (2):

Ambry Genetics
Classification: Uncertain significance. Last evaluated: 2025-12-04. Review status: criteria provided, single submitter. Criteria: Ambry Variant Classification Scheme 2023. Collection method: clinical testing. Allele origin: germline.

Labcorp Genetics (formerly Invitae), Labcorp
Classification: Uncertain significance for Epilepsy, familial adult myoclonic, 5. Last evaluated: 2021-05-31. Review status: criteria provided, single submitter. Criteria: Invitae Variant Classification Sherloc (09022015). Collection method: clinical testing. Allele origin: germline.
Comment: In summary, the available evidence is currently insufficient to determine the role of this variant in disease. Therefore, it has been classified as a Variant of Uncertain Significance. Advanced modeling of protein sequence and biophysical properties (such as structural, functional, and spatial information, amino acid conservation, physicochemical variation, residue mobility, and thermodynamic stability) performed at Invitae indicates that this missense variant is not expected to disrupt CNTN2 protein function. This variant has not been reported in the literature in individuals with CNTN2-related conditions. This variant is present in population databases (rs555512649, ExAC 0.003%). This sequence change replaces threonine with serine at codon 70 of the CNTN2 protein (p.Thr70Ser). The threonine residue is highly conserved and there is a small physicochemical difference between threonine and serine.